The following is an entry in ClinVar:

NM_001145860.2(POP1):c.1105G>T (p.Glu369Ter)

Gene: POP1 (POP1 ribonuclease P/MRP subunit; plus strand). Cytogenetic location: 8q22.2.
Variant type: single nucleotide variant.
Coding change: c.1105G>T on transcript NM_001145860.2 (MANE Select); coding-DNA position 1105, G replaced by T.
Protein change: p.Glu369Ter; replaces glutamic acid 369 with a stop codon.
Molecular consequence: nonsense.
Genome position (GRCh38, 1-based): chr8:98,136,575, G>T. VCF-style: chr8-98136575-G-T. GRCh37 (hg19) VCF-style: chr8-99148803-G-T.
Other names: c.1105G>T, p.Glu369Ter (NM_001145861.2, NM_015029.3); short protein forms E369*.
Identifiers: ClinVar variation 3722822 (VCV003722822.2).

ClinVar aggregate classification (germline): Pathogenic (1 of 4 stars; one submission).

Submission:

Labcorp Genetics (formerly Invitae), Labcorp
Classification: Pathogenic. Last evaluated: 2024-10-12. Review status: criteria provided, single submitter. Criteria: Invitae Variant Classification Sherloc (09022015). Collection method: clinical testing. Allele origin: germline.
Comment: This sequence change creates a premature translational stop signal (p.Glu369*) in the POP1 gene. It is expected to result in an absent or disrupted protein product. Loss-of-function variants in POP1 are known to be pathogenic (PMID: 21455487). This variant is not present in population databases (gnomAD no frequency). This variant has not been reported in the literature in individuals affected with POP1-related conditions. For these reasons, this variant has been classified as Pathogenic.

Literature cited by the submitters: PubMed 21455487.